The following is an entry in ClinVar:

NM_000245.4(MET):c.1048A>C (p.Lys350Gln)

Gene: MET (MET proto-oncogene, receptor tyrosine kinase; plus strand). Cytogenetic location: 7q31.2.
Variant type: single nucleotide variant.
Coding change: c.1048A>C on transcript NM_000245.4 (MANE Select); coding-DNA position 1048, A replaced by C.
Protein change: p.Lys350Gln; replaces lysine 350 with glutamine.
Molecular consequence: missense variant. On other transcripts: intron variant (1).
Genome position (GRCh38, 1-based): chr7:116,700,132, A>C. VCF-style: chr7-116700132-A-C. GRCh37 (hg19) VCF-style: chr7-116340186-A-C.
Other names: c.1048A>C, p.Lys350Gln (NM_001127500.3, NM_001324401.3); c.-91+27555A>C (NM_001324402.2); short protein forms K350Q.
Identifiers: ClinVar variation 41609 (VCV000041609.9), dbSNP rs201191014, ClinGen allele CA215612.

ClinVar aggregate classification (germline): Uncertain significance. Review status: criteria provided, single submitter (1 of 4 stars). 2 submissions from 2 submitters: Uncertain significance (1). 1 of the submissions does not count toward it. Last evaluated 2021-02-06.

Conditions:
Renal cell carcinoma. Identifiers: Orphanet 217071, MedGen C0007134, MeSH D002292, MONDO:0005086, HP:0005584.

Allele frequency attached by ClinVar (database versions not stated): gnomAD exomes below 0.00001; ExAC 0.00001.
gnomAD v4.1: 1 of 1,602,052 alleles (0.000062%); highest among the groups gnomAD compares: Non-Finnish European, 0.000085%; no homozygotes.

Submissions (2):

Labcorp Genetics (formerly Invitae), Labcorp
Classification: Uncertain significance for Renal cell carcinoma. Last evaluated: 2021-02-06. Review status: criteria provided, single submitter. Criteria: Invitae Variant Classification Sherloc (09022015). Collection method: clinical testing. Allele origin: germline.
Comment: In summary, the available evidence is currently insufficient to determine the role of this variant in disease. Therefore, it has been classified as a Variant of Uncertain Significance. Algorithms developed to predict the effect of missense changes on protein structure and function output the following: SIFT: "Deleterious"; PolyPhen-2: "Benign"; Align-GVGD: "Class C0". The glutamine amino acid residue is found in multiple mammalian species, suggesting that this missense change does not adversely affect protein function. These predictions have not been confirmed by published functional studies and their clinical significance is uncertain. This variant has not been reported in the literature in individuals with MET-related conditions. ClinVar contains an entry for this variant (Variation ID: 41609). This variant is present in population databases (rs201191014, ExAC 0.002%). This sequence change replaces lysine with glutamine at codon 350 of the MET protein (p.Lys350Gln). The lysine residue is highly conserved and there is a small physicochemical difference between lysine and glutamine.

Biesecker Lab/Clinical Genomics Section, National Institutes of Health
Classification: Uncertain significance. Last evaluated: 2012-07-13. Review status: no assertion criteria provided. Collection method: research. Allele origin: germline. Affected: no. Observed: 1 variant allele. Study: ClinSeq. Not counted in ClinVar's aggregate classification.
ClinVar note: Converted during submission from variant of unknown significance to Uncertain significance.